The following is an entry in ClinVar:

ClinVar aggregate classification (germline): Conflicting classifications of pathogenicity. Review status: criteria provided, conflicting classifications (1 of 4 stars). 2 submissions from 2 submitters: Likely pathogenic (1); Uncertain significance (1). Last evaluated 2023-01-11.

Conditions:
Acyl-CoA dehydrogenase 9 deficiency. Also called: Acyl-CoA dehydrogenase family, member 9, deficiency of; MITOCHONDRIAL COMPLEX I DEFICIENCY, NUCLEAR TYPE 20. Identifiers: Orphanet 99901, MedGen C4747517, MONDO:0012624, OMIM 611126.

gnomAD v4.1: 16 of 1,614,188 alleles (0.00099%); highest among the groups gnomAD compares: South Asian, 0.0033%; no homozygotes.

Submissions (2):

Revvity Omics, Revvity
Classification: Uncertain significance for Acyl-CoA dehydrogenase 9 deficiency. Last evaluated: 2023-01-11. Review status: criteria provided, single submitter. Criteria: ACMG Guidelines, 2015. Collection method: clinical testing. Allele origin: germline.

GeneDx
Classification: Likely pathogenic. Last evaluated: 2014-07-09. Review status: criteria provided, single submitter. Criteria: GeneDx Variant Classification (06012015). Collection method: clinical testing. Allele origin: germline. Affected: yes.
Comment: p.Cys572Tyr (TGC>TAC): c.1715 G>A in exon 17 of the ACAD9 gene (NM_014049.4). The C572Y variant has not been published as a mutation, nor has it been reported as a benign polymorphism to our knowledge. The C572Y variant is a non-conservative amino acid substitution, which is likely to impact secondary protein structure as these residues differ in polarity, charge, size and/or other properties. This substitution occurs at a position that is highly conserved across species. In silico analysis predicts this variant is probably damaging to the protein structure/function. Therefore, the C572Y variant is a strong candidate for a pathogenic mutation, however the possibility that it is a benign variant cannot be excluded. The variant is found in MITONUC-MITOP panel(s).

NM_014049.5(ACAD9):c.1715G>A (p.Cys572Tyr)

Genes: ACAD9 (acyl-CoA dehydrogenase family member 9; plus strand), CFAP92 (cilia and flagella associated protein 92 (putative); minus strand). Cytogenetic location: 3q21.3.
Variant type: single nucleotide variant.
Coding change: c.1715G>A on transcript NM_014049.5 (MANE Select); coding-DNA position 1715, G replaced by A.
Protein change: p.Cys572Tyr; replaces cysteine 572 with tyrosine.
Molecular consequence: missense variant. On other transcripts: non-coding transcript variant (1), intron variant (3).
Genome position (GRCh38, 1-based): chr3:128,910,763, G>A. VCF-style: chr3-128910763-G-A. GRCh37 (hg19) VCF-style: chr3-128629606-G-A.
Other names: p.C572Y:TGC>TAC; c.1346G>A, p.Cys449Tyr (NM_001410805.1); c.2312-430C>T (NM_001348521.2); c.2408-430C>T (NM_001348520.2); c.3281-430C>T (NM_001394090.1); short protein forms C572Y, C449Y.
Identifiers: ClinVar variation 214006 (VCV000214006.6), dbSNP rs778558550, ClinGen allele CA322611.